The following is an entry in ClinVar:

ClinVar aggregate classification (germline): Benign (1 of 4 stars; one submission).

Conditions:
Neurodegeneration with brain iron accumulation 4 (NBIA4). Also called: MITOCHONDRIAL PROTEIN-ASSOCIATED NEURODEGENERATION. Identifiers: Orphanet 289560, MedGen C3280371, MONDO:0013674, OMIM 614298. Disease mechanism: loss of function.

Allele frequency attached by ClinVar (database versions not stated): TOPMed 0.06213; 1000 Genomes Project 30x 0.07667; 1000 Genomes Project 0.07867; ExAC 0.07935; gnomAD exomes 0.03556 and 0.04584; gnomAD 0.05919 and 0.05947.

Submission:

Illumina Laboratory Services, Illumina
Classification: Benign for Neurodegeneration with brain iron accumulation 4. Last evaluated: 2018-01-13. Review status: criteria provided, single submitter. Criteria: ICSL Variant Classification Criteria 13 December 2019. Collection method: clinical testing. Allele origin: germline.
Comment: This variant was observed in the ICSL laboratory as part of a predisposition screen in an ostensibly healthy population. It had not been previously curated by ICSL or reported in the Human Gene Mutation Database (HGMD: prior to June 1st, 2018), and was therefore a candidate for classification through an automated scoring system. Utilizing variant allele frequency, disease prevalence and penetrance estimates, and inheritance mode, an automated score was calculated to assess if this variant is too frequent to cause the disease. Based on the score and internal cut-off values, a variant classified as benign is not then subjected to further curation. The score for this variant resulted in a classification of benign for this disease.

NM_031448.6(C19orf12):c.*3336C>T

Gene: C19orf12 (chromosome 19 open reading frame 12; minus strand). Cytogenetic location: 19q12.
Variant type: single nucleotide variant.
Coding change: c.*3336C>T on transcript NM_031448.6 (MANE Select); 3336 bases downstream of the stop codon, C replaced by T.
Molecular consequence: 3 prime UTR variant.
Genome position (GRCh38, 1-based): chr19:29,699,376, G>A on the plus strand (C>T on the coding strand, the complement: C19orf12 is on the minus strand). VCF-style: chr19-29699376-G-A. GRCh37 (hg19) VCF-style: chr19-30190283-G-A.
Other names: c.*3336C>T (NM_001031726.4, NM_001256047.2, NM_001282929.1 and 2 more transcripts); c.*3383C>T (NM_001256046.3).
Identifiers: ClinVar variation 328665 (VCV000328665.5), dbSNP rs10414583, ClinGen allele CA9351629.